The following is an entry in ClinVar:

NM_004870.4(MPDU1):c.412G>A (p.Gly138Ser)

Gene: MPDU1 (mannose-P-dolichol utilization defect 1; plus strand). Cytogenetic location: 17p13.1.
Variant type: single nucleotide variant.
Coding change: c.412G>A on transcript NM_004870.4 (MANE Select); coding-DNA position 412, G replaced by A.
Protein change: p.Gly138Ser; replaces glycine 138 with serine.
Molecular consequence: missense variant. On other transcripts: non-coding transcript variant (1), intron variant (1).
Genome position (GRCh38, 1-based): chr17:7,586,922, G>A. VCF-style: chr17-7586922-G-A. GRCh37 (hg19) VCF-style: chr17-7490240-G-A.
Other names: c.449+84G>A (NM_001330073.1); short protein forms G138S.
Identifiers: ClinVar variation 4736679 (VCV004736679.1).
Genomic context (GRCh38, chr17:7,586,922, plus strand): 5'-GAGAGATTGACAAGGACTCCTGTCTCCCCACCCCTAGGTGTCGCTTTCCTCGCTTGCTAC[G>A]GCCTGGTCCTGCTGGTGCTTCTCTCACCTCTGACGCCCTTGACTGTAGTCACCCTGCTCC-3'
Protein context (NP_004861.2, residues 128-148): VKGVAFLACY[Gly138Ser]LVLLVLLSPL

ClinVar aggregate classification (germline): Uncertain significance (1 of 4 stars; one submission).

Conditions:
MPDU1-congenital disorder of glycosylation. Also called: CONGENITAL DISORDER OF GLYCOSYLATION, TYPE If; CDG If; MPDU1-CDG. Identifiers: Orphanet 79323, MedGen C1836669, MONDO:0012211, OMIM 609180.

gnomAD v4.1: 12 of 1,613,830 alleles (0.00074%); highest among the groups gnomAD compares: East Asian, 0.0045%; no homozygotes.

Submission:

Labcorp Genetics (formerly Invitae), Labcorp
Classification: Uncertain significance for MPDU1-congenital disorder of glycosylation. Last evaluated: 2025-11-12. Review status: criteria provided, single submitter. Criteria: Invitae Variant Classification Sherloc (09022015). Collection method: clinical testing. Allele origin: germline.
Comment: This sequence change replaces glycine, which is neutral and non-polar, with serine, which is neutral and polar, at codon 138 of the MPDU1 protein (p.Gly138Ser). This variant is present in population databases (rs769411876, gnomAD 0.01%). This variant has not been reported in the literature in individuals affected with MPDU1-related conditions. An algorithm developed to predict the effect of missense changes on protein structure and function (PolyPhen-2) suggests that this variant is likely to be tolerated. In summary, the available evidence is currently insufficient to determine the role of this variant in disease. Therefore, it has been classified as a Variant of Uncertain Significance.